The following is an entry in ClinVar:

ClinVar aggregate classification (germline): Pathogenic/Likely pathogenic. Review status: criteria provided, multiple submitters, no conflicts (2 of 4 stars). 5 submissions from 5 submitters: Pathogenic (2); Likely pathogenic (2). 1 of the submissions does not count toward it. Last evaluated 2024-04-10.

Conditions:
Bardet-Biedl syndrome (BBS). Identifiers: Orphanet 110, MedGen C0752166, MONDO:0015229.
BBS7-related disorder. Also called: BBS7-related condition.
Bardet-Biedl syndrome 7 (BBS7). Identifiers: Orphanet 110, MedGen C1859565, MONDO:0014435, OMIM 615984.

Allele frequency attached by ClinVar (database versions not stated): ExAC 0.00002; gnomAD 0.00001.

Submissions (5):

Fulgent Genetics
Classification: Likely pathogenic for Bardet-Biedl syndrome 7. Last evaluated: 2024-04-10. Review status: criteria provided, single submitter. Criteria: ACMG Guidelines, 2015. Collection method: clinical testing. Allele origin: germline.

Labcorp Genetics (formerly Invitae), Labcorp
Classification: Pathogenic for Bardet-Biedl syndrome. Last evaluated: 2024-02-04. Review status: criteria provided, single submitter. Criteria: Invitae Variant Classification Sherloc (09022015). Collection method: clinical testing. Allele origin: germline.
Comment: This sequence change affects a donor splice site in intron 8 of the BBS7 gene. It is expected to disrupt RNA splicing. Variants that disrupt the donor or acceptor splice site typically lead to a loss of protein function (PMID: 16199547), and loss-of-function variants in BBS7 are known to be pathogenic (PMID: 12567324, 19402160, 21209035, 31196119). This variant is present in population databases (rs763719688, gnomAD 0.03%). Disruption of this splice site has been observed in individual(s) with Bardet–Biedl syndrome (PMID: 32686083). ClinVar contains an entry for this variant (Variation ID: 1507819). Algorithms developed to predict the effect of sequence changes on RNA splicing suggest that this variant may disrupt the consensus splice site. For these reasons, this variant has been classified as Pathogenic.

Blueprint Genetics
Classification: Likely pathogenic for BBS7-related disorders. Last evaluated: 2019-08-26. Review status: criteria provided, single submitter. Criteria: ACMG Guidelines, 2015. Collection method: clinical testing. Allele origin: germline. Affected: yes. Observed: 2 variant alleles.

Juno Genomics, Hangzhou Juno Genomics, Inc
Classification: Pathogenic for Bardet-Biedl syndrome 7. Review status: criteria provided, single submitter. Criteria: ACMG Guidelines, 2015. Collection method: clinical testing. Allele origin: germline. Affected: yes.
Comment: Absent from controls (or at extremely low frequency if recessive) in Genome Aggregation Database.;Null variant in a gene where loss of function (LOF) is a known mechanism of disease.;For recessive disorders, detected in trans with a pathogenic variant.;Patient's phenotype or family history is highly specific for a disease with a single genetic etiology.

Department of Pediatrics, National Cheng-Kung University Hospital
Classification: Likely pathogenic for Bardet-Biedl syndrome 7. Review status: no assertion criteria provided. Collection method: clinical testing. Allele origin: germline. Inheritance: Autosomal recessive inheritance. Affected: yes. Not counted in ClinVar's aggregate classification.
Comment: The c.849+1G>C allele in BBS7 is a splice-site variant predicted to be pathogenic by multiple in silico predictive software. Clinical manifestations include obesity, visual impairment, polydactyly, and renal disease, and intellectual disability. The variant is predicted to disrupt RNA splicing. In summary, the variant meets one very strong (PVS1), one moderate (PM2) and two supporting (PP3 and PP4) ACMG criteria during variant interpretation. It is interpreted as pathogenic by ACMG guideline. However, additional experimental data are needed to provide final evidence. Therefore, this variant was classified as likely Pathogenic.

Literature cited by the submitters: PubMed 16199547 (cited by Labcorp Genetics (formerly Invitae), Labcorp); PubMed 12567324 (cited by Labcorp Genetics (formerly Invitae), Labcorp); PubMed 19402160 (cited by Labcorp Genetics (formerly Invitae), Labcorp); PubMed 21209035 (cited by Labcorp Genetics (formerly Invitae), Labcorp); PubMed 31196119 (cited by Labcorp Genetics (formerly Invitae), Labcorp); PubMed 32686083 (cited by Labcorp Genetics (formerly Invitae), Labcorp).

NM_176824.3(BBS7):c.849+1G>C

Gene: BBS7 (Bardet-Biedl syndrome 7; minus strand). Cytogenetic location: 4q27.
Variant type: single nucleotide variant.
Coding change: c.849+1G>C on transcript NM_176824.3 (MANE Select); the canonical splice donor site of the intron after coding-DNA position 849, G replaced by C.
Molecular consequence: splice donor variant.
Genome position (GRCh38, 1-based): chr4:121,852,955, C>G on the plus strand (G>C on the coding strand, the complement: BBS7 is on the minus strand). VCF-style: chr4-121852955-C-G. GRCh37 (hg19) VCF-style: chr4-122774110-C-G.
Other names: c.849+1G>C (NM_018190.4).
Identifiers: ClinVar variation 1507819 (VCV001507819.15), dbSNP rs763719688, ClinGen allele CA3064396.